The following is an entry in ClinVar:

ClinVar aggregate classification (germline): Uncertain significance (1 of 4 stars; one submission).

Allele frequency attached by ClinVar (database versions not stated): gnomAD exomes below 0.00001.
gnomAD v4.1: 2 of 1,604,870 alleles (0.00012%); highest among the groups gnomAD compares: Admixed American, 0.0034%; no homozygotes.

Submission:

Labcorp Genetics (formerly Invitae), Labcorp
Classification: Uncertain significance. Last evaluated: 2021-08-24. Review status: criteria provided, single submitter. Criteria: Invitae Variant Classification Sherloc (09022015). Collection method: clinical testing. Allele origin: germline.
Comment: This sequence change replaces isoleucine with lysine at codon 427 of the LIFR protein (p.Ile427Lys). The isoleucine residue is moderately conserved and there is a moderate physicochemical difference between isoleucine and lysine. This variant is not present in population databases (ExAC no frequency). This variant has not been reported in the literature in individuals affected with LIFR-related conditions. Algorithms developed to predict the effect of missense changes on protein structure and function are either unavailable or do not agree on the potential impact of this missense change (SIFT: "Deleterious"; PolyPhen-2: "Possibly Damaging"; Align-GVGD: "Class C0"). In summary, the available evidence is currently insufficient to determine the role of this variant in disease. Therefore, it has been classified as a Variant of Uncertain Significance.

NM_001127671.2(LIFR):c.1280T>A (p.Ile427Lys)

Gene: LIFR (LIF receptor subunit alpha; minus strand). Cytogenetic location: 5p13.1.
Variant type: single nucleotide variant.
Coding change: c.1280T>A on transcript NM_001127671.2 (MANE Select); coding-DNA position 1280, T replaced by A.
Protein change: p.Ile427Lys; replaces isoleucine 427 with lysine.
Molecular consequence: missense variant.
Genome position (GRCh38, 1-based): chr5:38,505,916, A>T on the plus strand (T>A on the coding strand, the complement: LIFR is on the minus strand). VCF-style: chr5-38505916-A-T. GRCh37 (hg19) VCF-style: chr5-38506018-A-T.
Other names: c.1280T>A, p.Ile427Lys (NM_001364297.2, NM_001364298.2, NM_002310.6); short protein forms I427K.
Identifiers: ClinVar variation 1392398 (VCV001392398.5), dbSNP rs1241596011, ClinGen allele CA359543678.